The following is an entry in ClinVar:

NM_203447.4(DOCK8):c.686C>A (p.Ala229Asp)

Gene: DOCK8 (dedicator of cytokinesis 8; plus strand). Cytogenetic location: 9p24.3.
Variant type: single nucleotide variant.
Coding change: c.686C>A on transcript NM_203447.4 (MANE Select); coding-DNA position 686, C replaced by A.
Protein change: p.Ala229Asp; replaces alanine 229 with aspartic acid.
Molecular consequence: missense variant.
Genome position (GRCh38, 1-based): chr9:312,111, C>A. VCF-style: chr9-312111-C-A. GRCh37 (hg19) VCF-style: chr9-312111-C-A.
Other names: c.482C>A, p.Ala161Asp (NM_001190458.2, NM_001193536.2); short protein forms A229D, A161D.
Identifiers: ClinVar variation 366547 (VCV000366547.12), dbSNP rs745614955, ClinGen allele CA4957366.
Genomic context (GRCh38, chr9:312,111, plus strand): 5'-GGCTAGAAAACCTCCTGCAGCAAGTGAGTGCCGAGGACTTTGAGAAGCAGAACGAGGAGG[C>A]CCGGAGGACCAATAGGCAGGCCGAGCTCTTTGCCCTTTACCCATCAGTGGACGAGGTGGG-3'
Protein context (NP_982272.2, residues 219-239): AEDFEKQNEE[Ala229Asp]RRTNRQAELF

ClinVar aggregate classification (germline): Uncertain significance. Review status: criteria provided, multiple submitters, no conflicts (2 of 4 stars). 4 submissions from 4 submitters: Uncertain significance (4). Last evaluated 2025-10-18.

Conditions:
Inborn genetic diseases. Identifiers: MedGen C0950123, MeSH D030342.
Hyper-IgE recurrent infection syndrome 3, autosomal recessive. Also called: Autosomal recessive hyper-IgE syndrome due to ZNF341 deficiency; HYPER-IgE SYNDROME 3, AUTOSOMAL RECESSIVE, WITH RECURRENT INFECTIONS. Identifiers: Orphanet 641368, MedGen C4748969, MONDO:0032654, OMIM 618282.
Combined immunodeficiency due to DOCK8 deficiency (HIES2). Also called: HIES autosomal recessive; Hyper-IgE recurrent infection syndrome, autosomal recessive; DOCK8 Deficiency; HYPER-IgE RECURRENT INFECTION SYNDROME 2, AUTOSOMAL RECESSIVE; HYPER-IgE SYNDROME 2, AUTOSOMAL RECESSIVE, WITH RECURRENT INFECTIONS. Identifiers: Orphanet 217390, MedGen C4722305, MONDO:0009478, OMIM 243700.

Allele frequency attached by ClinVar (database versions not stated): gnomAD exomes 0.00002; ExAC 0.00003; TOPMed 0.00003; gnomAD 0.00004.
gnomAD v4.1: 125 of 1,614,096 alleles (0.0077%); highest among the groups gnomAD compares: Non-Finnish European, 0.0098%; 1 homozygote.

Submissions (4):

Ambry Genetics
Classification: Uncertain significance for Inborn genetic diseases. Last evaluated: 2025-10-18. Review status: criteria provided, single submitter. Criteria: Ambry Variant Classification Scheme 2023. Collection method: clinical testing. Allele origin: germline.

Blueprint Genetics
Classification: Uncertain significance. Last evaluated: 2024-08-29. Review status: criteria provided, single submitter. Criteria: ACMG Guidelines, 2015. Collection method: clinical testing. Allele origin: germline.

Labcorp Genetics (formerly Invitae), Labcorp
Classification: Uncertain significance for Combined immunodeficiency due to DOCK8 deficiency. Last evaluated: 2023-11-18. Review status: criteria provided, single submitter. Criteria: Invitae Variant Classification Sherloc (09022015). Collection method: clinical testing. Allele origin: germline.
Comment: This sequence change replaces alanine, which is neutral and non-polar, with aspartic acid, which is acidic and polar, at codon 229 of the DOCK8 protein (p.Ala229Asp). This variant is present in population databases (rs745614955, gnomAD 0.004%). This variant has not been reported in the literature in individuals affected with DOCK8-related conditions. ClinVar contains an entry for this variant (Variation ID: 366547). Advanced modeling of protein sequence and biophysical properties (such as structural, functional, and spatial information, amino acid conservation, physicochemical variation, residue mobility, and thermodynamic stability) performed at Invitae indicates that this missense variant is not expected to disrupt DOCK8 protein function with a negative predictive value of 80%. In summary, the available evidence is currently insufficient to determine the role of this variant in disease. Therefore, it has been classified as a Variant of Uncertain Significance.

Illumina Laboratory Services, Illumina
Classification: Uncertain significance for Combined immunodeficiency due to DOCK8 deficiency. Last evaluated: 2018-01-13. Review status: criteria provided, single submitter. Criteria: ICSL Variant Classification Criteria 13 December 2019. Collection method: clinical testing. Allele origin: germline.